The following is an entry in ClinVar:

ClinVar aggregate classification (germline): Uncertain significance (0 of 4 stars; one submission).

Conditions:
KSR2-related disorder. Also called: KSR2-related condition.

Allele frequency attached by ClinVar (database versions not stated): TOPMed 0.00002; gnomAD 0.00003; ExAC 0.00006; gnomAD exomes 0.00007.
gnomAD v4.1: 101 of 1,581,170 alleles (0.0064%); highest among the groups gnomAD compares: Middle Eastern, 0.017%; no homozygotes.

Submission:

PreventionGenetics, part of Exact Sciences
Classification: Uncertain significance for KSR2-related condition. Last evaluated: 2024-05-05. Review status: no assertion criteria provided. Collection method: clinical testing. Allele origin: germline.
Comment: The KSR2 c.565G>T variant is predicted to result in the amino acid substitution p.Ala189Ser. To our knowledge, this variant has not been reported in the literature. This variant is reported in 0.020% of alleles in individuals of Latino descent in gnomAD. At this time, the clinical significance of this variant is uncertain due to the absence of conclusive functional and genetic evidence.

NM_173598.6(KSR2):c.652G>T (p.Ala218Ser)

Gene: KSR2 (kinase suppressor of ras 2; minus strand). Cytogenetic location: 12q24.23.
Variant type: single nucleotide variant.
Coding change: c.652G>T on transcript NM_173598.6 (MANE Select); coding-DNA position 652, G replaced by T.
Protein change: p.Ala218Ser; replaces alanine 218 with serine.
Molecular consequence: missense variant.
Genome position (GRCh38, 1-based): chr12:117,761,345, C>A on the plus strand (G>T on the coding strand, the complement: KSR2 is on the minus strand). VCF-style: chr12-117761345-C-A. GRCh37 (hg19) VCF-style: chr12-118199150-C-A.
Other names: short protein forms A218S.
Identifiers: ClinVar variation 2634470 (VCV002634470.2), dbSNP rs751023284, ClinGen allele CA6816286.